The following is an entry in ClinVar:

ClinVar aggregate classification (germline): Uncertain significance. Review status: criteria provided, multiple submitters, no conflicts (2 of 4 stars). 2 submissions from 2 submitters: Uncertain significance (2). Last evaluated 2025-10-21.

gnomAD v4.1: 2 of 1,614,020 alleles (0.00012%); highest among the groups gnomAD compares: African/African-American, 0.0027%; no homozygotes.

Submissions (2):

Labcorp Genetics (formerly Invitae), Labcorp
Classification: Uncertain significance. Last evaluated: 2025-10-21. Review status: criteria provided, single submitter. Criteria: Invitae Variant Classification Sherloc (09022015). Collection method: clinical testing. Allele origin: germline.
Comment: This sequence change replaces threonine, which is neutral and polar, with isoleucine, which is neutral and non-polar, at codon 2235 of the KMT2A protein (p.Thr2235Ile). This variant is not present in population databases (gnomAD no frequency). This variant has not been reported in the literature in individuals affected with KMT2A-related conditions. ClinVar contains an entry for this variant (Variation ID: 3774311). Invitae Evidence Modeling of protein sequence and biophysical properties (such as structural, functional, and spatial information, amino acid conservation, physicochemical variation, residue mobility, and thermodynamic stability) indicates that this missense variant is not expected to disrupt KMT2A protein function with a negative predictive value of 95%. In summary, the available evidence is currently insufficient to determine the role of this variant in disease. Therefore, it has been classified as a Variant of Uncertain Significance.

GeneDx
Classification: Uncertain significance. Last evaluated: 2024-09-23. Review status: criteria provided, single submitter. Criteria: GeneDx Variant Classification Process June 2021. Collection method: clinical testing. Allele origin: germline. Affected: yes.
Comment: Not observed at significant frequency in large population cohorts (gnomAD); In silico analysis indicates that this missense variant does not alter protein structure/function; Has not been previously published as pathogenic or benign to our knowledge

NM_001197104.2(KMT2A):c.6704C>T (p.Thr2235Ile)

Gene: KMT2A (lysine methyltransferase 2A; plus strand). Cytogenetic location: 11q23.3.
Variant type: single nucleotide variant.
Coding change: c.6704C>T on transcript NM_001197104.2 (MANE Select); coding-DNA position 6704, C replaced by T.
Protein change: p.Thr2235Ile; replaces threonine 2235 with isoleucine.
Molecular consequence: missense variant.
Genome position (GRCh38, 1-based): chr11:118,502,596, C>T. VCF-style: chr11-118502596-C-T. GRCh37 (hg19) VCF-style: chr11-118373311-C-T.
Other names: c.6794C>T, p.Thr2265Ile (NM_001412597.1); c.6695C>T, p.Thr2232Ile (NM_005933.4); short protein forms T2232I, T2235I, T2265I.
Identifiers: ClinVar variation 3774311 (VCV003774311.2).